The following is an entry in ClinVar:

ClinVar aggregate classification (germline): Likely pathogenic (1 of 4 stars; one submission).

Conditions:
Duchenne muscular dystrophy (DMD). Also called: MUSCULAR DYSTROPHY, PSEUDOHYPERTROPHIC PROGRESSIVE, DUCHENNE TYPE; Duchenne Muscular Dystrophy (DMD). Identifiers: Orphanet 98896, MedGen C0013264, MONDO:0010679, OMIM 310200.

Submission:

MGZ Medical Genetics Center
Classification: Likely pathogenic for Duchenne muscular dystrophy. Last evaluated: 2022-07-29. Review status: criteria provided, single submitter. Criteria: ACMG Guidelines, 2015. Collection method: clinical testing. Allele origin: germline. Affected: yes. Observed: 1 variant allele.
Comment: ACMG criteria applied: PVS1, PM2_SUP

NM_004006.3(DMD):c.3500_3501del (p.Leu1166_Ser1167insTer)

Gene: DMD (dystrophin; minus strand). Cytogenetic location: Xp21.1.
Variant type: Deletion.
Coding change: c.3500_3501del on transcript NM_004006.3 (MANE Select); coding-DNA positions 3500 to 3501, 2 bases deleted (CA; older notation c.3500_3501delCA).
Protein change: p.Leu1166_Ser1167insTer.
Molecular consequence: nonsense.
Genome position (GRCh38, 1-based): chrX:32,454,764-32,454,765, TG deleted on the plus strand (CA on the coding strand, the reverse complement: DMD is on the minus strand). VCF-style (leftmost placement, unchanged base first): chrX-32454763-CTG-C. GRCh37 (hg19) VCF-style: chrX-32472880-CTG-C.
Other names: c.3476_3477del, p.Leu1158_Ser1159insTer (NM_000109.4); c.3488_3489del, p.Leu1162_Ser1163insTer (NM_004009.3); c.3131_3132del, p.Leu1043_Ser1044insTer (NM_004010.3).
Identifiers: ClinVar variation 1709723 (VCV001709723.2), dbSNP rs2524368407, ClinGen allele CA2580100696.